The following is an entry in ClinVar:

ClinVar aggregate classification (germline): Uncertain significance. Review status: criteria provided, multiple submitters, no conflicts (2 of 4 stars). 6 submissions from 6 submitters: Uncertain significance (3). 3 of the submissions do not count toward it. Last evaluated 2025-06-22.

Conditions:
Cardiovascular phenotype. Identifiers: MedGen CN230736.
Hypertrophic cardiomyopathy 14. Identifiers: MedGen C2750467, MONDO:0013197, OMIM 613251.

Allele frequency attached by ClinVar (database versions not stated): gnomAD exomes below 0.00001.
gnomAD v4.1: 6 of 1,613,732 alleles (0.00037%); highest among the groups gnomAD compares: South Asian, 0.0011%; no homozygotes.

Submissions (6):

Labcorp Genetics (formerly Invitae), Labcorp
Classification: Uncertain significance for Hypertrophic cardiomyopathy 14. Last evaluated: 2025-06-22. Review status: criteria provided, single submitter. Criteria: Invitae Variant Classification Sherloc (09022015). Collection method: clinical testing. Allele origin: germline.
Comment: This sequence change replaces glutamine, which is neutral and polar, with glutamic acid, which is acidic and polar, at codon 1813 of the MYH6 protein (p.Gln1813Glu). This variant is not present in population databases (gnomAD no frequency). This variant has not been reported in the literature in individuals affected with MYH6-related conditions. ClinVar contains an entry for this variant (Variation ID: 1174748). Invitae Evidence Modeling of protein sequence and biophysical properties (such as structural, functional, and spatial information, amino acid conservation, physicochemical variation, residue mobility, and thermodynamic stability) indicates that this missense variant is not expected to disrupt MYH6 protein function with a negative predictive value of 80%. In summary, the available evidence is currently insufficient to determine the role of this variant in disease. Therefore, it has been classified as a Variant of Uncertain Significance.

Ambry Genetics
Classification: Uncertain significance for Cardiovascular phenotype. Last evaluated: 2024-01-16. Review status: criteria provided, single submitter. Criteria: Ambry Variant Classification Scheme 2023. Collection method: clinical testing. Allele origin: germline.
Comment: The p.Q1813E variant (also known as c.5437C>G), located in coding exon 34 of the MYH6 gene, results from a C to G substitution at nucleotide position 5437. The glutamine at codon 1813 is replaced by glutamic acid, an amino acid with highly similar properties. This amino acid position is highly conserved in available vertebrate species. In addition, the in silico prediction for this alteration is inconclusive. Since supporting evidence is limited at this time, the clinical significance of this alteration remains unclear.

Revvity Omics, Revvity
Classification: Uncertain significance. Last evaluated: 2022-09-02. Review status: criteria provided, single submitter. Criteria: ACMG Guidelines, 2015. Collection method: clinical testing. Allele origin: germline.

Clinical Genetics DNA and cytogenetics Diagnostics Lab, Erasmus MC, Erasmus Medical Center
Classification: Uncertain significance. Review status: no assertion criteria provided. Collection method: clinical testing. Allele origin: germline. Affected: yes. Study: VKGL Data-share Consensus. Not counted in ClinVar's aggregate classification.

Clinical Genetics, Academic Medical Center
Classification: Uncertain significance. Review status: no assertion criteria provided. Collection method: clinical testing. Allele origin: germline. Affected: yes. Study: VKGL Data-share Consensus. Not counted in ClinVar's aggregate classification.

Diagnostic Laboratory, Department of Genetics, University Medical Center Groningen
Classification: Uncertain significance. Review status: no assertion criteria provided. Collection method: clinical testing. Allele origin: germline. Affected: yes. Study: VKGL Data-share Consensus. Not counted in ClinVar's aggregate classification.

NM_002471.4(MYH6):c.5437C>G (p.Gln1813Glu)

Gene: MYH6 (myosin heavy chain 6; minus strand). Cytogenetic location: 14q11.2.
Variant type: single nucleotide variant.
Coding change: c.5437C>G on transcript NM_002471.4 (MANE Select); coding-DNA position 5437, C replaced by G.
Protein change: p.Gln1813Glu; replaces glutamine 1813 with glutamic acid.
Molecular consequence: missense variant.
Genome position (GRCh38, 1-based): chr14:23,384,570, G>C on the plus strand (C>G on the coding strand, the complement: MYH6 is on the minus strand). VCF-style: chr14-23384570-G-C. GRCh37 (hg19) VCF-style: chr14-23853779-G-C.
Other names: c.5437C>G (NM_002471.3); short protein forms Q1813E.
Identifiers: ClinVar variation 1174748 (VCV001174748.15), dbSNP rs368384248, ClinGen allele CA257776412.